The following is an entry in ClinVar:

NM_020975.6(RET):c.1977C>G (p.Cys659Trp)

Gene: RET (ret proto-oncogene; plus strand). Cytogenetic location: 10q11.21.
Variant type: single nucleotide variant.
Coding change: c.1977C>G on transcript NM_020975.6 (MANE Select); coding-DNA position 1977, C replaced by G.
Protein change: p.Cys659Trp; replaces cysteine 659 with tryptophan.
Molecular consequence: missense variant.
Genome position (GRCh38, 1-based): chr10:43,114,577, C>G. VCF-style: chr10-43114577-C-G. GRCh37 (hg19) VCF-style: chr10-43610025-C-G.
Other names: c.1977C>G, p.Cys659Trp (NM_000323.2, NM_001406743.1, NM_001406744.1 and 4 more transcripts); c.1215C>G, p.Cys405Trp (NM_001355216.2); c.1848C>G, p.Cys616Trp (NM_001406761.1, NM_001406762.1, NM_001406764.1); c.1689C>G, p.Cys563Trp (NM_001406766.1, NM_001406767.1, NM_001406770.1); c.1581C>G, p.Cys527Trp (NM_001406769.1, NM_001406772.1); c.1539C>G, p.Cys513Trp (NM_001406771.1, NM_001406773.1); c.987C>G, p.Cys329Trp (NM_001406784.1); c.960C>G, p.Cys320Trp (NM_001406785.1); and 7 more; short protein forms C405W, C659W, C329W, C513W, C527W, C176W, C224W, C317W.
Identifiers: ClinVar variation 1392057 (VCV001392057.7), dbSNP rs2132848413, ClinGen allele CA376553058.

ClinVar aggregate classification (germline): Uncertain significance (1 of 4 stars; one submission).

Conditions:
Multiple endocrine neoplasia, type 2 (MEN2). Identifiers: Orphanet 653, MedGen C4048306, MONDO:0019003. Disease mechanism: gain of function.

Submission:

Labcorp Genetics (formerly Invitae), Labcorp
Classification: Uncertain significance for Multiple endocrine neoplasia, type 2. Last evaluated: 2023-09-19. Review status: criteria provided, single submitter. Criteria: Invitae Variant Classification Sherloc (09022015). Collection method: clinical testing. Allele origin: germline.
Comment: This sequence change replaces cysteine, which is neutral and slightly polar, with tryptophan, which is neutral and slightly polar, at codon 659 of the RET protein (p.Cys659Trp). ClinVar contains an entry for this variant (Variation ID: 1392057). In summary, the available evidence is currently insufficient to determine the role of this variant in disease. Therefore, it has been classified as a Variant of Uncertain Significance. An algorithm developed to predict the effect of missense changes on protein structure and function (PolyPhen-2) suggests that this variant is likely to be tolerated. This variant has not been reported in the literature in individuals affected with RET-related conditions. This variant is not present in population databases (gnomAD no frequency).